The following is an entry in ClinVar:

ClinVar aggregate classification (germline): Uncertain significance. Review status: criteria provided, multiple submitters, no conflicts (2 of 4 stars). 7 submissions from 7 submitters: Uncertain significance (5). 2 of the submissions do not count toward it. Last evaluated 2025-09-15.

Conditions:
Cardiovascular phenotype. Identifiers: MedGen CN230736.
Catecholaminergic polymorphic ventricular tachycardia (CVPT). Also called: Catecholamine-induced polymorphic ventricular tachycardia. Identifiers: Orphanet 3286, MedGen C5574922, MONDO:0017990.
Cardiomyopathy (CMYO). Also called: Cardiomyopathies. Identifiers: Orphanet 167848, MedGen C0878544, MONDO:0004994, HP:0001638. Inheritance: Various modes of inheritance.
Catecholaminergic polymorphic ventricular tachycardia 1. Also called: VENTRICULAR TACHYCARDIA, STRESS-INDUCED POLYMORPHIC 1; VENTRICULAR TACHYCARDIA, CATECHOLAMINERGIC POLYMORPHIC, 1, WITH OR WITHOUT ATRIAL DYSFUNCTION AND/OR DILATED CARDIOMYOPATHY; RYR2-Related Catecholaminergic Polymorphic Ventricular Tachycardia. Identifiers: Orphanet 3286, MedGen C1631597, MONDO:0011484, OMIM 604772.

Allele frequency attached by ClinVar (database versions not stated): gnomAD 0.00001; gnomAD exomes 0.00001 and 0.00002; TOPMed 0.00001; ExAC 0.00002.
gnomAD v4.1: 16 of 1,611,486 alleles (0.00099%); highest among the groups gnomAD compares: East Asian, 0.0045%; no homozygotes.

Submissions (7):

Labcorp Genetics (formerly Invitae), Labcorp
Classification: Uncertain significance for Catecholaminergic polymorphic ventricular tachycardia 1. Last evaluated: 2025-09-15. Review status: criteria provided, single submitter. Criteria: Invitae Variant Classification Sherloc (09022015). Collection method: clinical testing. Allele origin: germline.
Comment: This sequence change falls in intron 15 of the RYR2 gene. It does not directly change the encoded amino acid sequence of the RYR2 protein. It affects a nucleotide within the consensus splice site. This variant is present in population databases (rs778668388, gnomAD 0.006%). This variant has not been reported in the literature in individuals affected with RYR2-related conditions. ClinVar contains an entry for this variant (Variation ID: 862465). Variants that disrupt the consensus splice site are a relatively common cause of aberrant splicing (PMID: 17576681, 9536098). Algorithms developed to predict the effect of sequence changes on RNA splicing suggest that this variant may disrupt the consensus splice site. In summary, the available evidence is currently insufficient to determine the role of this variant in disease. Therefore, it has been classified as a Variant of Uncertain Significance.

Blueprint Genetics
Classification: Uncertain significance. Last evaluated: 2024-11-20. Review status: criteria provided, single submitter. Criteria: ACMG Guidelines, 2015. Collection method: clinical testing. Allele origin: germline.

Color Diagnostics, LLC DBA Color Health
Classification: Uncertain significance for Cardiomyopathy. Last evaluated: 2024-04-16. Review status: criteria provided, single submitter. Criteria: ACMG Guidelines, 2015. Collection method: clinical testing. Allele origin: germline.
Comment: This variant causes a G to A nucleotide substitution at the +5 position of intron 15 of the RYR2 gene. Splice site prediction tools predict that this variant may have a significant impact on RNA splicing. However, this prediction has not been confirmed in published RNA studies. This variant has not been reported in individuals affected with cardiovascular disorders in the literature. To our knowledge, functional studies have not been reported for this variant. This variant has been identified in 5/245820 chromosomes in the general population by the Genome Aggregation Database (gnomAD). The available evidence is insufficient to determine the role of this variant in disease conclusively. Therefore, this variant is classified as a Variant of Uncertain Significance.

Ambry Genetics
Classification: Uncertain significance for Cardiovascular phenotype. Last evaluated: 2024-01-14. Review status: criteria provided, single submitter. Criteria: Ambry Variant Classification Scheme 2023. Collection method: clinical testing. Allele origin: germline.
Comment: The c.1476+5G>A intronic variant results from a G to A substitution 5 nucleotides after coding exon 15 in the RYR2 gene. This nucleotide position is well conserved in available vertebrate species. In silico splice site analysis predicts that this alteration will not have any significant effect on splicing. Since supporting evidence is limited at this time, the clinical significance of this alteration remains unclear.

All of Us Research Program, National Institutes of Health
Classification: Uncertain significance for Catecholaminergic polymorphic ventricular tachycardia. Last evaluated: 2024-01-11. Review status: criteria provided, single submitter. Criteria: ACMG Guidelines, 2015. Collection method: clinical testing. Allele origin: germline. Inheritance: Autosomal dominant inheritance. Observed: 2 variant alleles, 2 heterozygotes.
Comment: This study involves interpretation of variants in research participants for the purpose of population health screening. Participant phenotype was not available at the time of variant classification. Additional details can be found in publication PMID: 35346344, PMCID: PMC8962531

Clinical Genetics DNA and cytogenetics Diagnostics Lab, Erasmus MC, Erasmus Medical Center
Classification: Uncertain significance. Review status: no assertion criteria provided. Collection method: clinical testing. Allele origin: germline. Affected: yes. Study: VKGL Data-share Consensus. Not counted in ClinVar's aggregate classification.

Clinical Genetics, Academic Medical Center
Classification: Uncertain significance. Review status: no assertion criteria provided. Collection method: clinical testing. Allele origin: germline. Affected: yes. Study: VKGL Data-share Consensus. Not counted in ClinVar's aggregate classification.

Literature cited by the submitters: PubMed 17576681 (cited by Labcorp Genetics (formerly Invitae), Labcorp); PubMed 9536098 (cited by Labcorp Genetics (formerly Invitae), Labcorp).

NM_001035.3(RYR2):c.1476+5G>A

Gene: RYR2 (ryanodine receptor 2; plus strand). Cytogenetic location: 1q43.
Variant type: single nucleotide variant.
Coding change: c.1476+5G>A on transcript NM_001035.3 (MANE Select); 5 bases into the intron after coding-DNA position 1476, G replaced by A.
Molecular consequence: intron variant.
Genome position (GRCh38, 1-based): chr1:237,454,579, G>A. VCF-style: chr1-237454579-G-A. GRCh37 (hg19) VCF-style: chr1-237617879-G-A.
Identifiers: ClinVar variation 862465 (VCV000862465.17), dbSNP rs778668388, ClinGen allele CA085756.